The following is an entry in ClinVar:

ClinVar aggregate classification (germline): Uncertain significance (1 of 4 stars; one submission).

Submission:

GeneDx
Classification: Uncertain significance. Last evaluated: 2024-10-04. Review status: criteria provided, single submitter. Criteria: GeneDx Variant Classification Process June 2021. Collection method: clinical testing. Allele origin: germline. Affected: yes.
Comment: Not observed at significant frequency in large population cohorts (gnomAD); In silico analysis supports that this missense variant has a deleterious effect on protein structure/function; Has not been previously published as pathogenic or benign to our knowledge

NM_015378.4(VPS13D):c.7091A>G (p.Gln2364Arg)

Gene: VPS13D (vacuolar protein sorting 13 homolog D; plus strand). Cytogenetic location: 1p36.22.
Variant type: single nucleotide variant.
Coding change: c.7091A>G on transcript NM_015378.4 (MANE Select); coding-DNA position 7091, A replaced by G.
Protein change: p.Gln2364Arg; replaces glutamine 2364 with arginine.
Molecular consequence: missense variant.
Genome position (GRCh38, 1-based): chr1:12,314,270, A>G. VCF-style: chr1-12314270-A-G. GRCh37 (hg19) VCF-style: chr1-12374327-A-G.
Other names: c.7091A>G, p.Gln2364Arg (NM_018156.4); short protein forms Q2364R.
Identifiers: ClinVar variation 3776717 (VCV003776717.1).
Genomic context (GRCh38, chr1:12,314,270, plus strand): 5'-CCCGTTATGCTGGGCAGAAGACCAGCCCTGGCATGACGAATGTGTTCAGCTGTATCTTTC[A>G]GCCCGCTAAGAACAGCAGCACCACCCAAGGGTCCATTCAGATTGAACTACATTTCAGGTA-3'
Protein context (NP_056193.2, residues 2354-2374): GMTNVFSCIF[Gln2364Arg]PAKNSSTTQG